The following is an entry in ClinVar:

NM_004035.7(ACOX1):c.840T>C (p.Phe280=)

Gene: ACOX1 (acyl-CoA oxidase 1; minus strand). Cytogenetic location: 17q25.1.
Variant type: single nucleotide variant.
Coding change: c.840T>C on transcript NM_004035.7 (MANE Select); coding-DNA position 840, T replaced by C.
Protein change: p.Phe280=; no amino-acid change (phenylalanine 280 retained).
Molecular consequence: synonymous variant.
Genome position (GRCh38, 1-based): chr17:75,953,555, A>G on the plus strand (T>C on the coding strand, the complement: ACOX1 is on the minus strand). VCF-style: chr17-75953555-A-G. GRCh37 (hg19) VCF-style: chr17-73949636-A-G.
Other names: c.726T>C, p.Phe242= (NM_001185039.2); c.840T>C, p.Phe280= (NM_007292.6).
Identifiers: ClinVar variation 752150 (VCV000752150.16), dbSNP rs201023888, ClinGen allele CA8776906.
Genomic context (GRCh38, chr17:75,953,555, plus strand): 5'-GGCAATGGTGCACGCCTTAGACAGAGCCCGAGCAGCTTCTCCCACAAGGAAGGACCTGAC[A>G]AACACCATGGTCCCGTAAGTCAGCTTGTTACTCAGCGGTTTCACGTATGTGCCATCAGGC-3'
Protein context (NP_004026.2, residues 270-290): SNKLTYGTMV[Phe280=]VRSFLVGEAA

ClinVar aggregate classification (germline): Likely benign. Review status: criteria provided, multiple submitters, no conflicts (2 of 4 stars). 3 submissions from 3 submitters: Likely benign (2). 1 of the submissions does not count toward it. Last evaluated 2026-09-12.

Conditions:
ACOX1-related disorder. Also called: ACOX1-related disorders; ACOX1-related condition.
Acyl-CoA oxidase deficiency. Also called: Pseudoneonatal adrenoleukodystrophy; Peroxisomal acyl-CoA oxidase deficiency; STRAIGHT-CHAIN ACYL-CoA OXIDASE DEFICIENCY. Identifiers: Orphanet 2971, MedGen C1849678, MONDO:0009919, OMIM 264470. Disease mechanism: loss of function.

Allele frequency attached by ClinVar (database versions not stated): gnomAD exomes 0.00002 and 0.00015; gnomAD 0.00005 and 0.00007; TOPMed 0.00005; ExAC 0.00016; 1000 Genomes Project 0.00060; 1000 Genomes Project 30x 0.00078.
gnomAD v4.1: 33 of 1,614,208 alleles (0.002%); highest among the groups gnomAD compares: East Asian, 0.074%; no homozygotes.

Submissions (3):

PreventionGenetics, part of Exact Sciences
Classification: Likely benign for ACOX1-related condition. Last evaluated: 2026-09-12. Review status: criteria provided, single submitter. Criteria: ACMG Guidelines, 2015. Collection method: clinical testing. Allele origin: germline.
Comment: This variant is classified as likely benign based on ACMG/AMP sequence variant interpretation guidelines (Richards et al. 2015 PMID: 25741868, with internal and published modifications).

Labcorp Genetics (formerly Invitae), Labcorp
Classification: Likely benign for Acyl-CoA oxidase deficiency. Last evaluated: 2026-01-09. Review status: criteria provided, single submitter. Criteria: Invitae Variant Classification Sherloc (09022015). Collection method: clinical testing. Allele origin: germline.

Natera, Inc.
Classification: Likely benign for Peroxisomal acyl-CoA oxidase deficiency. Last evaluated: 2020-12-30. Review status: no assertion criteria provided. Collection method: clinical testing. Allele origin: germline. Not counted in ClinVar's aggregate classification.